The following is an entry in ClinVar:

NM_001048174.2(MUTYH):c.1405dup (p.Tyr469fs)

Gene: MUTYH (mutY DNA glycosylase; minus strand). Cytogenetic location: 1p34.1.
Variant type: Duplication.
Coding change: c.1405dup on transcript NM_001048174.2 (MANE Select); coding-DNA position 1405, one base duplicated (T; older notation c.1405dupT).
Protein change: p.Tyr469fs; shifts the reading frame from tyrosine 469.
Molecular consequence: frameshift variant. On other transcripts: non-coding transcript variant (2).
Genome position (GRCh38, 1-based): chr1:45,330,545, A duplicated on the plus strand (T on the coding strand, the reverse complement: MUTYH is on the minus strand). VCF-style (leftmost placement, unchanged base first): chr1-45330544-T-TA. GRCh37 (hg19) VCF-style: chr1-45796216-T-TA.
Other names: c.1405dup, p.Tyr469fs (NM_001048171.2, NM_001048173.2, NM_001293195.2); c.1408dup, p.Tyr470fs (NM_001048172.2); c.1489dup, p.Tyr497fs (NM_001128425.2); c.1450dup, p.Tyr484fs (NM_001293190.2); c.1438dup, p.Tyr480fs (NM_001293191.2); c.1129dup, p.Tyr377fs (NM_001293192.2, NM_001293196.2); c.1060dup, p.Tyr354fs (NM_001350650.2, NM_001350651.2); c.1438dup, p.Tyr480Leufs (NM_001407069.1, NM_001407077.1); and 10 more; short protein forms Y470fs, Y354fs, Y377fs, Y469fs, Y497fs, Y484fs, Y480fs, Y494fs.
Identifiers: ClinVar variation 1958675 (VCV001958675.5), dbSNP rs2523846596, ClinGen allele CA2580062889.

ClinVar aggregate classification (germline): Likely pathogenic (1 of 4 stars; one submission).

Conditions:
Familial adenomatous polyposis 2. Also called: FAP type 2; MUTYH-related attenuated familial adenomatous polyposis; COLORECTAL ADENOMATOUS POLYPOSIS, AUTOSOMAL RECESSIVE; ADENOMAS, MULTIPLE COLORECTAL, AUTOSOMAL RECESSIVE; MUTYH Polyposis; Adenomas, multiple colorectal. Identifiers: Orphanet 220460, Orphanet 247798, MedGen C3272841, MONDO:0012041, OMIM 608456.

Submission:

Labcorp Genetics (formerly Invitae), Labcorp
Classification: Likely pathogenic for Familial adenomatous polyposis 2. Last evaluated: 2021-12-21. Review status: criteria provided, single submitter. Criteria: Invitae Variant Classification Sherloc (09022015). Collection method: clinical testing. Allele origin: germline.
Comment: This sequence change creates a premature translational stop signal (p.Tyr497Leufs*35) in the MUTYH gene. While this is not anticipated to result in nonsense mediated decay, it is expected to disrupt the last 53 amino acid(s) of the MUTYH protein. This variant is not present in population databases (gnomAD no frequency). This variant has not been reported in the literature in individuals affected with MUTYH-related conditions. This variant disrupts the conserved PCNA binding motif of the MUTYH protein, which has been shown to be critical for MUTYH-PCNA binding and repair efficiency (PMID: 11092888, 26377631, 11433026, 11864576). While functional studies have not been performed to directly test the effect of this variant on MUTYH protein function, this suggests that disruption of this region of the protein is causative of disease. In summary, the currently available evidence indicates that the variant is pathogenic, but additional data are needed to prove that conclusively. Therefore, this variant has been classified as Likely Pathogenic.

Literature cited by the submitters: PubMed 11092888; PubMed 26377631; PubMed 11433026; PubMed 11864576.